The following is an entry in ClinVar:

ClinVar aggregate classification (germline): Uncertain significance (1 of 4 stars; one submission).

Submission:

Labcorp Genetics (formerly Invitae), Labcorp
Classification: Uncertain significance. Last evaluated: 2022-10-25. Review status: criteria provided, single submitter. Criteria: Invitae Variant Classification Sherloc (09022015). Collection method: clinical testing. Allele origin: germline.
Comment: In summary, the available evidence is currently insufficient to determine the role of this variant in disease. Therefore, it has been classified as a Variant of Uncertain Significance. Variants that disrupt the consensus splice site are a relatively common cause of aberrant splicing (PMID: 17576681, 9536098). Algorithms developed to predict the effect of sequence changes on RNA splicing suggest that this variant is not likely to affect RNA splicing. This variant has not been reported in the literature in individuals affected with VARS2-related conditions. This variant is not present in population databases (gnomAD no frequency). This sequence change falls in intron 12 of the VARS2 gene. It does not directly change the encoded amino acid sequence of the VARS2 protein. It affects a nucleotide within the consensus splice site.

Literature cited by the submitters: PubMed 17576681; PubMed 9536098.

NM_020442.6(VARS2):c.1165+3G>A

Gene: VARS2 (valyl-tRNA synthetase 2, mitochondrial; plus strand). Cytogenetic location: 6p21.33.
Variant type: single nucleotide variant.
Coding change: c.1165+3G>A on transcript NM_020442.6 (MANE Select); 3 bases into the intron after coding-DNA position 1165, G replaced by A.
Molecular consequence: intron variant.
Genome position (GRCh38, 1-based): chr6:30,919,851, G>A. VCF-style: chr6-30919851-G-A. GRCh37 (hg19) VCF-style: chr6-30887628-G-A.
Other names: c.1255+3G>A (NM_001167734.2); c.745+3G>A (NM_001167733.3).
Identifiers: ClinVar variation 2054489 (VCV002054489.4), dbSNP rs2538651595, ClinGen allele CA2580074343.